The following is an entry in ClinVar:

ClinVar aggregate classification (germline): Conflicting classifications of pathogenicity. Review status: criteria provided, conflicting classifications (1 of 4 stars). 4 submissions from 4 submitters: Uncertain significance (1); Likely benign (2). 1 of the submissions does not count toward it. Last evaluated 2025-08-14.

Conditions:
Rubinstein-Taybi syndrome due to EP300 haploinsufficiency. Also called: EP300-Related Rubinstein-Taybi Syndrome; RUBINSTEIN-TAYBI SYNDROME 2. Identifiers: Orphanet 353284, Orphanet 783, MedGen C3150941, MONDO:0013364, OMIM 613684.
Menke-Hennekam syndrome 2 (MKHK2). Identifiers: MedGen C5193035, MONDO:0020769, OMIM 618333.
EP300-related disorder. Also called: EP300-related condition; EP300-related disorders.

Allele frequency attached by ClinVar (database versions not stated): gnomAD exomes below 0.00001 and 0.00001; ExAC 0.00001; gnomAD 0.00001; TOPMed 0.00001.

Submissions (4):

Labcorp Genetics (formerly Invitae), Labcorp
Classification: Likely benign for Rubinstein-Taybi syndrome due to EP300 haploinsufficiency. Last evaluated: 2025-08-14. Review status: criteria provided, single submitter. Criteria: Invitae Variant Classification Sherloc (09022015). Collection method: clinical testing. Allele origin: germline.

CeGaT Center for Human Genetics Tuebingen
Classification: Likely benign. Last evaluated: 2023-02-01. Review status: criteria provided, single submitter. Criteria: CeGaT Center For Human Genetics Tuebingen Variant Classification Criteria Version 2. Collection method: clinical testing. Allele origin: germline. Affected: yes. Observed: 1 variant allele.
Comment: EP300: BS1

Suma Genomics
Classification: Uncertain significance for Menke-Hennekam syndrome 2; Rubinstein-Taybi syndrome due to EP300 haploinsufficiency. Review status: criteria provided, single submitter. Criteria: ACMG Guidelines, 2015. Collection method: clinical testing. Allele origin: de novo. Inheritance: Autosomal dominant inheritance. Affected: yes.

PreventionGenetics, part of Exact Sciences
Classification: Uncertain significance for EP300-related condition. Last evaluated: 2024-09-04. Review status: no assertion criteria provided. Collection method: clinical testing. Allele origin: germline. Not counted in ClinVar's aggregate classification.
Comment: The EP300 c.1303G>A variant is predicted to result in the amino acid substitution p.Val435Ile. To our knowledge, this variant has not been reported in the literature. This variant is reported in 0.0050% of alleles in individuals of East Asian descent in gnomAD. At this time, the clinical significance of this variant is uncertain due to the absence of conclusive functional and genetic evidence.

NM_001429.4(EP300):c.1303G>A (p.Val435Ile)

Gene: EP300 (EP300 lysine acetyltransferase; plus strand). Cytogenetic location: 22q13.2.
Variant type: single nucleotide variant.
Coding change: c.1303G>A on transcript NM_001429.4 (MANE Select); coding-DNA position 1303, G replaced by A.
Protein change: p.Val435Ile; replaces valine 435 with isoleucine.
Molecular consequence: missense variant.
Genome position (GRCh38, 1-based): chr22:41,131,408, G>A. VCF-style: chr22-41131408-G-A. GRCh37 (hg19) VCF-style: chr22-41527412-G-A.
Other names: c.1303G>A, p.Val435Ile (NM_001362843.2); c.1303G>A (NM_001429.3); short protein forms V435I.
Identifiers: ClinVar variation 1236178 (VCV001236178.26), dbSNP rs779573838, ClinGen allele CA10252487.
Genomic context (GRCh38, chr22:41,131,408, plus strand): 5'-CAGCATTAATTTGTAATACTATATCTTTTGTCTTCTCTAGCAATTTTGACTGGAGCACCC[G>A]TTGGACTTGGAAATCCTAGCTCTCTAGGGGTGGGTCAACAGTCTGCCCCCAACCTAAGCA-3'
Protein context (NP_001420.2, residues 425-445): NQQPILTGAP[Val435Ile]GLGNPSSLGV